The following is an entry in ClinVar:

ClinVar aggregate classification (germline): Uncertain significance (1 of 4 stars; one submission).

Conditions:
Epileptic encephalopathy. Identifiers: MedGen C0543888, HP:0200134.

Allele frequency attached by ClinVar (database versions not stated): gnomAD 0.00002; TOPMed 0.00003; ExAC 0.00008; ESP Exome Variant Server 0.00008; gnomAD exomes 0.00008.

Submission:

Labcorp Genetics (formerly Invitae), Labcorp
Classification: Uncertain significance for Epileptic encephalopathy. Last evaluated: 2022-01-14. Review status: criteria provided, single submitter. Criteria: Invitae Variant Classification Sherloc (09022015). Collection method: clinical testing. Allele origin: germline.
Comment: This variant has not been reported in the literature in individuals affected with FASN-related conditions. This variant is present in population databases (rs140139973, gnomAD 0.04%). This sequence change replaces arginine, which is basic and polar, with glutamine, which is neutral and polar, at codon 2421 of the FASN protein (p.Arg2421Gln). In summary, the available evidence is currently insufficient to determine the role of this variant in disease. Therefore, it has been classified as a Variant of Uncertain Significance. Algorithms developed to predict the effect of missense changes on protein structure and function (SIFT, PolyPhen-2, Align-GVGD) all suggest that this variant is likely to be tolerated.

NM_004104.5(FASN):c.7262G>A (p.Arg2421Gln)

Genes: FASN (fatty acid synthase; minus strand), LOC129390948 (MPRA-validated peak3028 silencer; plus strand). Cytogenetic location: 17q25.3.
Variant type: single nucleotide variant.
Coding change: c.7262G>A on transcript NM_004104.5 (MANE Select); coding-DNA position 7262, G replaced by A.
Protein change: p.Arg2421Gln; replaces arginine 2421 with glutamine.
Molecular consequence: missense variant.
Genome position (GRCh38, 1-based): chr17:82,079,493, C>T on the plus strand (G>A on the coding strand, the complement: FASN is on the minus strand). VCF-style: chr17-82079493-C-T. GRCh37 (hg19) VCF-style: chr17-80037369-C-T.
Other names: short protein forms R2421Q.
Identifiers: ClinVar variation 1424681 (VCV001424681.8), dbSNP rs140139973, ClinGen allele CA8851054.
Genomic context (GRCh38, chr17:82,079,493, plus strand): 5'-CCATGGTACTTGGCCTTGGGTGTGTACTGCTCAGCGGCACGCAGCTTGTAGTAGAAGGAC[C>T]GGGCCGCAAAGCTCAGCTCCTGGCGGTCCAGGCCCTGGTGGCTCTTGATGATCAGGTCCA-3'
Protein context (NP_004095.4, residues 2411-2431): LDRQELSFAA[Arg2421Gln]SFYYKLRAAE